The following is an entry in ClinVar:

ClinVar aggregate classification (germline): Uncertain significance. Review status: criteria provided, multiple submitters, no conflicts (2 of 4 stars). 3 submissions from 3 submitters: Uncertain significance (3). Last evaluated 2024-11-29.

Conditions:
Inborn genetic diseases. Identifiers: MedGen C0950123, MeSH D030342.
MYH14-related disorder. Also called: MYH14-related condition.

gnomAD v4.1: 10 of 1,497,024 alleles (0.00067%); highest among the groups gnomAD compares: South Asian, 0.0011%; no homozygotes.

Submissions (3):

Labcorp Genetics (formerly Invitae), Labcorp
Classification: Uncertain significance. Last evaluated: 2024-11-29. Review status: criteria provided, single submitter. Criteria: Invitae Variant Classification Sherloc (09022015). Collection method: clinical testing. Allele origin: germline.
Comment: This sequence change replaces glycine, which is neutral and non-polar, with serine, which is neutral and polar, at codon 1948 of the MYH14 protein (p.Gly1948Ser). The frequency data for this variant in the population databases is considered unreliable, as metrics indicate poor data quality at this position in the gnomAD database. This variant has not been reported in the literature in individuals affected with MYH14-related conditions. ClinVar contains an entry for this variant (Variation ID: 3157016). An algorithm developed to predict the effect of missense changes on protein structure and function (PolyPhen-2) suggests that this variant is likely to be tolerated. In summary, the available evidence is currently insufficient to determine the role of this variant in disease. Therefore, it has been classified as a Variant of Uncertain Significance.

PreventionGenetics, part of Exact Sciences
Classification: Uncertain significance for MYH14-related condition. Last evaluated: 2024-10-30. Review status: criteria provided, single submitter. Criteria: ACMG Guidelines, 2015. Collection method: clinical testing. Allele origin: germline.
Comment: The MYH14 c.5965G>A variant is predicted to result in the amino acid substitution p.Gly1989Ser. To our knowledge, this variant has not been reported in the literature. This variant is reported in 0.0057% of alleles in individuals of East Asian descent in gnomAD. At this time, the clinical significance of this variant is uncertain due to the absence of conclusive functional and genetic evidence.

Ambry Genetics
Classification: Uncertain significance for Inborn genetic diseases. Last evaluated: 2024-03-07. Review status: criteria provided, single submitter. Criteria: Ambry Variant Classification Scheme 2023. Collection method: clinical testing. Allele origin: germline.

NM_001145809.2(MYH14):c.5965G>A (p.Gly1989Ser)

Gene: MYH14 (myosin heavy chain 14; plus strand). Cytogenetic location: 19q13.33.
Variant type: single nucleotide variant.
Coding change: c.5965G>A on transcript NM_001145809.2 (MANE Select); coding-DNA position 5965, G replaced by A.
Protein change: p.Gly1989Ser; replaces glycine 1989 with serine.
Molecular consequence: missense variant.
Genome position (GRCh38, 1-based): chr19:50,309,644, G>A. VCF-style: chr19-50309644-G-A. GRCh37 (hg19) VCF-style: chr19-50812901-G-A.
Other names: c.5866G>A, p.Gly1956Ser (NM_001077186.2); c.5842G>A, p.Gly1948Ser (NM_024729.4); c.5965G>A (NM_001145809.1); short protein forms G1956S, G1948S, G1989S.
Identifiers: ClinVar variation 3157016 (VCV003157016.4), dbSNP rs1409838865, ClinGen allele CA406965877.